The following is an entry in ClinVar:

ClinVar aggregate classification (germline): Pathogenic/Likely pathogenic. Review status: criteria provided, multiple submitters, no conflicts (2 of 4 stars). 3 submissions from 3 submitters: Pathogenic (2); Likely pathogenic (1). Last evaluated 2023-04-27.

Conditions:
Hereditary cancer-predisposing syndrome. Also called: Neoplastic Syndromes, Hereditary; Hereditary neoplastic syndrome; Hereditary Cancer Syndrome; Tumor predisposition. Identifiers: Orphanet 140162, MedGen C0027672, MeSH D009386, MONDO:0015356.
Familial multiple polyposis syndrome (FAP). Also called: Familial adenomatous polyposis; Familial intestinal polyposis; Classic familial adenomatous polyposis; Familial Adenomatous Polyposis (FAP); Familial polyposis. Identifiers: Orphanet 733, MedGen C0032580, MONDO:0021055. Disease mechanism: loss of function.
Familial adenomatous polyposis 1 (FAP1). Also called: FAMILIAL ADENOMATOUS POLYPOSIS 1, ATTENUATED; POLYPOSIS, ADENOMATOUS INTESTINAL. Identifiers: MedGen C2713442, MONDO:0021056, OMIM 175100. Disease mechanism: loss of function.

Submissions (3):

Myriad Genetics, Inc.
Classification: Pathogenic for Familial adenomatous polyposis 1. Last evaluated: 2023-04-27. Review status: criteria provided, single submitter. Criteria: Myriad Autosomal Dominant, Autosomal Recessive and X-Linked Classification Criteria (2023). Collection method: clinical testing. Allele origin: unknown.
Comment: This variant is considered pathogenic. This variant creates a termination codon and is predicted to result in premature protein truncation.

Ambry Genetics
Classification: Pathogenic for Hereditary cancer-predisposing syndrome. Last evaluated: 2023-03-01. Review status: criteria provided, single submitter. Criteria: Ambry Variant Classification Scheme 2023. Collection method: clinical testing. Allele origin: germline.
Comment: The p.Q260* pathogenic mutation (also known as c.778C>T), located in coding exon 7 of the APC gene, results from a C to T substitution at nucleotide position 778. This changes the amino acid from a glutamine to a stop codon within coding exon 7. This alteration has been identified in multiple individuals with colon polyposis or familial adenomatous polyposis (FAP) (Ambry internal data; Bisgaard ML et al. Hum Mutat, 2004 May;23:522; Lagarde A et al. J Med Genet, 2010 Oct;47:721-2; Jung SM et al. World J Gastroenterol, 2016 May;22:4380-8). This variant is considered to be rare based on population cohorts in the Genome Aggregation Database (gnomAD). This alteration is expected to result in loss of function by premature protein truncation or nonsense-mediated mRNA decay. As such, this alteration is interpreted as a disease-causing mutation.

Women's Health and Genetics/Laboratory Corporation of America, LabCorp
Classification: Likely pathogenic for Familial multiple polyposis syndrome. Last evaluated: 2022-11-17. Review status: criteria provided, single submitter. Criteria: LabCorp Variant Classification Summary - May 2015. Collection method: clinical testing. Allele origin: germline.
Comment: Variant summary: APC c.778C>T (p.Gln260X) results in a premature termination codon, predicted to cause a truncation of the encoded protein or absence of the protein due to nonsense mediated decay, which are commonly known mechanisms for disease. Truncations downstream of this position have been classified as pathogenic by our laboratory and associated with Adenomatous polyposis in HGMD. The variant was absent in 251074 control chromosomes. c.778C>T has been reported in the literature in individuals affected with Familial Adenomatous Polyposis (Bisgard_2004 and Jung_2016). These data indicate that the variant may be associated with disease. To our knowledge, no experimental evidence demonstrating an impact on protein function has been reported. No clinical diagnostic laboratories have submitted clinical-significance assessments for this variant to ClinVar after 2014. Based on the evidence outlined above, the variant was classified as likely pathogenic.

Literature cited by the submitters: PubMed 15108286 (cited by Ambry Genetics and Women's Health and Genetics/Laboratory Corporation of America, LabCorp); PubMed 20685668 (cited by Ambry Genetics); PubMed 27158207 (cited by Ambry Genetics and Women's Health and Genetics/Laboratory Corporation of America, LabCorp).

NM_000038.6(APC):c.778C>T (p.Gln260Ter)

Gene: APC (APC regulator of Wnt signaling pathway; plus strand). Cytogenetic location: 5q22.2.
Variant type: single nucleotide variant.
Coding change: c.778C>T on transcript NM_000038.6 (MANE Select); coding-DNA position 778, C replaced by T.
Protein change: p.Gln260Ter; replaces glutamine 260 with a stop codon.
Molecular consequence: nonsense. On other transcripts: 5 prime UTR variant (1).
Genome position (GRCh38, 1-based): chr5:112,801,327, C>T. VCF-style: chr5-112801327-C-T. GRCh37 (hg19) VCF-style: chr5-112137024-C-T.
Other names: c.778C>T, p.Gln260Ter (NM_001127510.3, NM_001354895.2, NM_001354896.2 and 12 more transcripts); c.724C>T, p.Gln242Ter (NM_001127511.3); c.808C>T, p.Gln270Ter (NM_001354897.2, NM_001354902.2, NM_001407446.1); c.703C>T, p.Gln235Ter (NM_001354898.2, NM_001354904.2, NM_001407451.1); c.694C>T, p.Gln232Ter (NM_001354899.2, NM_001407452.1, NM_001407467.1 and 1 more transcripts); c.601C>T, p.Gln201Ter (NM_001354900.2, NM_001354901.2, NM_001354905.2 and 1 more transcripts); c.-258C>T (NM_001354906.2, NM_001407470.1, NM_001407471.1 and 1 more transcripts); short protein forms Q201*, Q232*, Q235*, Q242*, Q260*, Q270*.
Identifiers: ClinVar variation 1804741 (VCV001804741.3), dbSNP rs2149711923, ClinGen allele CA16023031.